The following is an entry in ClinVar:

ClinVar aggregate classification (germline): Uncertain significance (1 of 4 stars; one submission).

Submission:

Labcorp Genetics (formerly Invitae), Labcorp
Classification: Uncertain significance. Last evaluated: 2025-03-16. Review status: criteria provided, single submitter. Criteria: Invitae Variant Classification Sherloc (09022015). Collection method: clinical testing. Allele origin: germline.
Comment: This sequence change creates a premature translational stop signal (p.Gln686*) in the RASA2 gene. It is expected to result in an absent or disrupted protein product. However, the current clinical and genetic evidence is not sufficient to establish whether loss-of-function variants in RASA2 cause disease. This variant is not present in population databases (gnomAD no frequency). This variant has not been reported in the literature in individuals affected with RASA2-related conditions. Algorithms developed to predict the effect of sequence changes on RNA splicing suggest that this variant may disrupt the consensus splice site. In summary, the available evidence is currently insufficient to determine the role of this variant in disease. Therefore, it has been classified as a Variant of Uncertain Significance.

NM_006506.5(RASA2):c.2056C>T (p.Gln686Ter)

Gene: RASA2 (RAS p21 protein activator 2; plus strand). Cytogenetic location: 3q23.
Variant type: single nucleotide variant.
Coding change: c.2056C>T on transcript NM_006506.5 (MANE Select); coding-DNA position 2056, C replaced by T.
Protein change: p.Gln686Ter; replaces glutamine 686 with a stop codon.
Molecular consequence: nonsense.
Genome position (GRCh38, 1-based): chr3:141,608,528, C>T. VCF-style: chr3-141608528-C-T. GRCh37 (hg19) VCF-style: chr3-141327370-C-T.
Other names: c.2059C>T, p.Gln687Ter (NM_001303245.3); c.2068C>T, p.Gln690Ter (NM_001303246.3); short protein forms Q686*, Q687*, Q690*.
Identifiers: ClinVar variation 4807919 (VCV004807919.1).